The following is an entry in ClinVar:

ClinVar aggregate classification (germline): Conflicting classifications of pathogenicity. Review status: criteria provided, conflicting classifications (1 of 4 stars). 3 submissions from 3 submitters: Likely pathogenic (1); Uncertain significance (2). Last evaluated 2025-12-10.

Conditions:
Retinal dystrophy. Also called: Inherited retinal dystrophy. Identifiers: Orphanet 71862, MedGen C0854723, MeSH D058499, MONDO:0019118, HP:0000556.
Leber congenital amaurosis 3 (LCA3). Also called: SPATA7-Related Retinitis Pigmentosa. Identifiers: MedGen C1858677, MONDO:0011415, OMIM 604232.

gnomAD v4.1: 5 of 1,614,172 alleles (0.00031%); highest among the groups gnomAD compares: East Asian, 0.0022%; no homozygotes.

Submissions (3):

Labcorp Genetics (formerly Invitae), Labcorp
Classification: Uncertain significance for Leber congenital amaurosis 3. Last evaluated: 2025-12-10. Review status: criteria provided, single submitter. Criteria: Invitae Variant Classification Sherloc (09022015). Collection method: clinical testing. Allele origin: germline.
Comment: This sequence change replaces threonine, which is neutral and polar, with alanine, which is neutral and non-polar, at codon 244 of the SPATA7 protein (p.Thr244Ala). This variant is not present in population databases (gnomAD no frequency). This variant has not been reported in the literature in individuals affected with SPATA7-related conditions. ClinVar contains an entry for this variant (Variation ID: 3028288). Invitae Evidence Modeling of protein sequence and biophysical properties (such as structural, functional, and spatial information, amino acid conservation, physicochemical variation, residue mobility, and thermodynamic stability) indicates that this missense variant is expected to disrupt SPATA7 protein function with a positive predictive value of 80%. In summary, the available evidence is currently insufficient to determine the role of this variant in disease. Therefore, it has been classified as a Variant of Uncertain Significance.

Dept Of Ophthalmology, Nagoya University
Classification: Likely pathogenic for Retinal dystrophy. Last evaluated: 2023-10-01. Review status: criteria provided, single submitter. Criteria: Submitter's publication. Collection method: research. Allele origin: germline. Affected: yes.

Blueprint Genetics
Classification: Uncertain significance. Last evaluated: 2022-05-18. Review status: criteria provided, single submitter. Criteria: ACMG Guidelines, 2015. Collection method: clinical testing. Allele origin: germline.

NM_018418.5(SPATA7):c.730A>G (p.Thr244Ala)

Gene: SPATA7 (spermatogenesis associated 7; plus strand). Cytogenetic location: 14q31.3.
Variant type: single nucleotide variant.
Coding change: c.730A>G on transcript NM_018418.5 (MANE Select); coding-DNA position 730, A replaced by G.
Protein change: p.Thr244Ala; replaces threonine 244 with alanine.
Molecular consequence: missense variant.
Genome position (GRCh38, 1-based): chr14:88,426,589, A>G. VCF-style: chr14-88426589-A-G. GRCh37 (hg19) VCF-style: chr14-88892933-A-G.
Other names: c.634A>G, p.Thr212Ala (NM_001040428.4); short protein forms T212A, T244A.
Identifiers: ClinVar variation 3028288 (VCV003028288.3), dbSNP rs1595270842, ClinGen allele CA390564139.